The following is an entry in ClinVar:

ClinVar aggregate classification (germline): Uncertain significance. Review status: criteria provided, single submitter (1 of 4 stars). 2 submissions from 2 submitters: Uncertain significance (1). 1 of the submissions does not count toward it. Last evaluated 2023-10-13.

Conditions:
GNPTG-mucolipidosis. Also called: Mucolipidosis type III gamma; ML III GAMMA; ML IIIC; MUCOLIPIDOSIS III, COMPLEMENTATION GROUP C; MUCOLIPIDOSIS III, IRANIAN VARIANT FORM; MUCOLIPIDOSIS III, VARIANT FORM. Identifiers: Orphanet 423470, Orphanet 577, MedGen C1854896, MONDO:0009652, OMIM 252605.

Allele frequency attached by ClinVar (database versions not stated): gnomAD exomes below 0.00001 and 0.00001; TOPMed below 0.00001; ExAC 0.00002.

Submissions (2):

Labcorp Genetics (formerly Invitae), Labcorp
Classification: Uncertain significance. Last evaluated: 2023-10-13. Review status: criteria provided, single submitter. Criteria: Invitae Variant Classification Sherloc (09022015). Collection method: clinical testing. Allele origin: germline.
Comment: This sequence change replaces arginine, which is basic and polar, with lysine, which is basic and polar, at codon 258 of the GNPTG protein (p.Arg258Lys). This variant is present in population databases (rs751017354, gnomAD 0.003%). This variant has not been reported in the literature in individuals affected with GNPTG-related conditions. ClinVar contains an entry for this variant (Variation ID: 960040). Advanced modeling of protein sequence and biophysical properties (such as structural, functional, and spatial information, amino acid conservation, physicochemical variation, residue mobility, and thermodynamic stability) performed at Invitae indicates that this missense variant is not expected to disrupt GNPTG protein function. In summary, the available evidence is currently insufficient to determine the role of this variant in disease. Therefore, it has been classified as a Variant of Uncertain Significance.

Natera, Inc.
Classification: Uncertain significance for Mucolipidosis III gamma. Last evaluated: 2020-03-10. Review status: no assertion criteria provided. Collection method: clinical testing. Allele origin: germline. Not counted in ClinVar's aggregate classification.

NM_032520.5(GNPTG):c.773G>A (p.Arg258Lys)

Gene: GNPTG (N-acetylglucosamine-1-phosphate transferase subunit gamma; plus strand). Cytogenetic location: 16p13.3.
Variant type: single nucleotide variant.
Coding change: c.773G>A on transcript NM_032520.5 (MANE Select); coding-DNA position 773, G replaced by A.
Protein change: p.Arg258Lys; replaces arginine 258 with lysine.
Molecular consequence: missense variant.
Genome position (GRCh38, 1-based): chr16:1,362,856, G>A. VCF-style: chr16-1362856-G-A. GRCh37 (hg19) VCF-style: chr16-1412857-G-A.
Other names: short protein forms R258K.
Identifiers: ClinVar variation 960040 (VCV000960040.9), dbSNP rs751017354, ClinGen allele CA7807945.